The following is an entry in ClinVar:

NM_001291415.2(KDM6A):c.564+1G>A

Gene: KDM6A (lysine demethylase 6A; plus strand). Cytogenetic location: Xp11.3.
Variant type: single nucleotide variant.
Coding change: c.564+1G>A on transcript NM_001291415.2 (MANE Select); the canonical splice donor site of the intron after coding-DNA position 564, G replaced by A.
Molecular consequence: splice donor variant. On other transcripts: intron variant (1).
Genome position (GRCh38, 1-based): chrX:45,020,731, G>A. VCF-style: chrX-45020731-G-A. GRCh37 (hg19) VCF-style: chrX-44879976-G-A.
Other names: c.564+1G>A (NM_001419809.1, NM_001419810.1, NM_001419813.1 and 9 more transcripts); c.-190+9712G>A (NM_001291421.2).
Identifiers: ClinVar variation 4856301 (VCV004856301.1).

ClinVar aggregate classification (germline): Likely pathogenic (1 of 4 stars; one submission).

Conditions:
Kabuki syndrome 2 (KABUK2). Also called: KDM6A-Related Kabuki Syndrome. Identifiers: Orphanet 2322, MedGen C3275495, MONDO:0010465, OMIM 300867.

Submission:

3billion
Classification: Likely pathogenic for Kabuki syndrome 2. Last evaluated: 2026-01-26. Review status: criteria provided, single submitter. Criteria: ACMG Guidelines, 2015. Collection method: clinical testing. Allele origin: germline. Affected: yes.
Comment: The variant is not observed in the gnomAD v4.1.0 dataset. Predicted Consequence/Location: Canonical splice site: predicted to alter splicing and result in a loss or disruption of normal protein function. Multiple pathogenic loss-of-function variants are reported downstream of the variant. In silico tools predict the variant to alter splicing and produce an abnormal transcript [SpliceAI: 0.99 (spliceogenicity >=0.2, non-spliceogenicity <0.1)]. Therefore, this variant is classified as Likely pathogenic according to the recommendation of ACMG/AMP guideline.